The following is an entry in ClinVar:

NM_001330360.2(POLA1):c.2203C>A (p.Gln735Lys)

Gene: POLA1 (DNA polymerase alpha 1, catalytic subunit; plus strand). Cytogenetic location: Xp22.11.
Variant type: single nucleotide variant.
Coding change: c.2203C>A on transcript NM_001330360.2 (MANE Select); coding-DNA position 2203, C replaced by A.
Protein change: p.Gln735Lys; replaces glutamine 735 with lysine.
Molecular consequence: missense variant.
Genome position (GRCh38, 1-based): chrX:24,739,537, C>A. VCF-style: chrX-24739537-C-A. GRCh37 (hg19) VCF-style: chrX-24757654-C-A.
Other names: c.2128C>A, p.Gln710Lys (NM_001378303.1); c.2185C>A, p.Gln729Lys (NM_016937.4); short protein forms Q729K, Q735K, Q710K.
Identifiers: ClinVar variation 3631092 (VCV003631092.2).
Genomic context (GRCh38, chrX:24,739,537, plus strand): 5'-TCTGAACTTGTTCAGCAGATTCTAAAAACTGAAAGGGTTGTAATCCCAATGGAAAATATA[C>A]AAAATATGTACAGGTATGATCCTAGATTCTTCAGAATTCATCTGTCTTGAAATTAACAAC-3'
Protein context (NP_001317289.1, residues 725-745): ERVVIPMENI[Gln735Lys]NMYSESSQLL

ClinVar aggregate classification (germline): Uncertain significance (1 of 4 stars; one submission).

Submission:

Labcorp Genetics (formerly Invitae), Labcorp
Classification: Uncertain significance. Last evaluated: 2024-05-09. Review status: criteria provided, single submitter. Criteria: Invitae Variant Classification Sherloc (09022015). Collection method: clinical testing. Allele origin: germline.
Comment: This sequence change replaces glutamine, which is neutral and polar, with lysine, which is basic and polar, at codon 729 of the POLA1 protein (p.Gln729Lys). This variant is not present in population databases (gnomAD no frequency). This variant has not been reported in the literature in individuals affected with POLA1-related conditions. Advanced modeling of protein sequence and biophysical properties (such as structural, functional, and spatial information, amino acid conservation, physicochemical variation, residue mobility, and thermodynamic stability) performed at Invitae indicates that this missense variant is not expected to disrupt POLA1 protein function with a negative predictive value of 80%. In summary, the available evidence is currently insufficient to determine the role of this variant in disease. Therefore, it has been classified as a Variant of Uncertain Significance.